The following is an entry in ClinVar:

ClinVar aggregate classification (germline): Likely benign. Review status: criteria provided, multiple submitters, no conflicts (2 of 4 stars). 3 submissions from 3 submitters: Likely benign (2). 1 of the submissions does not count toward it. Last evaluated 2019-07-25.

Conditions:
GLRX5-related disorder. Also called: GLRX5-related condition.

Allele frequency attached by ClinVar (database versions not stated): gnomAD exomes 0.00001 and 0.00002; ExAC 0.00002; TOPMed 0.00004; gnomAD 0.00005; 1000 Genomes Project 30x 0.00016; 1000 Genomes Project 0.00020.
gnomAD v4.1: 27 of 1,612,244 alleles (0.0017%); highest among the groups gnomAD compares: African/African-American, 0.016%; no homozygotes.

Submissions (3):

GeneDx
Classification: Likely benign. Last evaluated: 2019-07-25. Review status: criteria provided, single submitter. Criteria: GeneDx Variant Classification Process June 2021. Collection method: clinical testing. Allele origin: germline. Affected: yes.

Breakthrough Genomics
Classification: Likely benign. Review status: criteria provided, single submitter. Criteria: ACMG Guidelines, 2015. Collection method: not provided. Allele origin: germline. Inheritance: Autosomal recessive inheritance. Affected: yes.

PreventionGenetics, part of Exact Sciences
Classification: Likely benign for GLRX5-related condition. Last evaluated: 2019-05-21. Review status: no assertion criteria provided. Collection method: clinical testing. Allele origin: germline. Not counted in ClinVar's aggregate classification.
Comment: This variant is classified as likely benign based on ACMG/AMP sequence variant interpretation guidelines (Richards et al. 2015 PMID: 25741868, with internal and published modifications).

NM_016417.3(GLRX5):c.*4C>T

Gene: GLRX5 (glutaredoxin 5; plus strand). Cytogenetic location: 14q32.13.
Variant type: single nucleotide variant.
Coding change: c.*4C>T on transcript NM_016417.3 (MANE Select); 4 bases downstream of the stop codon, C replaced by T.
Molecular consequence: 3 prime UTR variant.
Genome position (GRCh38, 1-based): chr14:95,544,129, C>T. VCF-style: chr14-95544129-C-T. GRCh37 (hg19) VCF-style: chr14-96010466-C-T.
Other names: c.*4C>T (NM_016417.2).
Identifiers: ClinVar variation 1200616 (VCV001200616.6), dbSNP rs541858398, ClinGen allele CA7333968.
Genomic context (GRCh38, chr14:95,544,129, plus strand): 5'-AAGCTGGGGATCCACTCCGCCCTTTTAGATGAAAAGAAAGACCAAGACTCCAAGTGAGGG[C>T]GGCCAAGTCCTCGCTGAGCAGAGAGGGAGCCGTTCATGTCAGAGACTCACTGCCAGAAAA-3'